The following is an entry in ClinVar:

ClinVar aggregate classification (germline): Uncertain significance (1 of 4 stars; one submission).

Conditions:
Tuberous sclerosis 2 (TSC2). Identifiers: Orphanet 805, MedGen C1860707, MONDO:0013199, OMIM 613254.

Submission:

Labcorp Genetics (formerly Invitae), Labcorp
Classification: Uncertain significance for Tuberous sclerosis 2. Last evaluated: 2022-10-21. Review status: criteria provided, single submitter. Criteria: Invitae Variant Classification Sherloc (09022015). Collection method: clinical testing. Allele origin: germline.
Comment: In summary, the available evidence is currently insufficient to determine the role of this variant in disease. Therefore, it has been classified as a Variant of Uncertain Significance. Variants that disrupt the consensus splice site are a relatively common cause of aberrant splicing (PMID: 17576681, 9536098). Algorithms developed to predict the effect of sequence changes on RNA splicing suggest that this variant is not likely to affect RNA splicing. This variant has not been reported in the literature in individuals affected with TSC2-related conditions. This variant is not present in population databases (gnomAD no frequency). This sequence change falls in intron 5 of the TSC2 gene. It does not directly change the encoded amino acid sequence of the TSC2 protein. It affects a nucleotide within the consensus splice site.

Literature cited by the submitters: PubMed 17576681; PubMed 9536098.

NM_000548.5(TSC2):c.481+4G>A

Gene: TSC2 (TSC complex subunit 2; plus strand). Cytogenetic location: 16p13.3.
Variant type: single nucleotide variant.
Coding change: c.481+4G>A on transcript NM_000548.5 (MANE Select); 4 bases into the intron after coding-DNA position 481, G replaced by A.
Molecular consequence: intron variant.
Genome position (GRCh38, 1-based): chr16:2,054,444, G>A. VCF-style: chr16-2054444-G-A. GRCh37 (hg19) VCF-style: chr16-2104445-G-A.
Other names: c.481+4G>A (NM_001114382.3, NM_021055.3, NM_001370405.1 and 3 more transcripts); c.370+4G>A (NM_001318827.2); c.-1-1752G>A (NM_001318831.2); c.334+4G>A (NM_001318829.2); c.514+4G>A (NM_001318832.2).
Identifiers: ClinVar variation 2032252 (VCV002032252.4), dbSNP rs2151045013, ClinGen allele CA2580090661.
Genomic context (GRCh38, chr16:2,054,444, plus strand): 5'-TTTTCAAGGCCCTCACAGACAATGGGAGACACATCACCTACTTGGAGGAAGAGCTGGGTG[G>A]GTGCCACCTTGGGTTGGAGGTTTCTCTGGCCTTGACGATCAAGTGTAACCTGGATGGGAA-3'